The following is an entry in ClinVar:

NM_001042376.3(INS-IGF2):c.367T>C (p.Cys123Arg)

Genes: IGF2 (insulin like growth factor 2; minus strand), INS-IGF2 (INS-IGF2 readthrough; minus strand). Cytogenetic location: 11p15.5.
Variant type: single nucleotide variant.
Coding change: c.367T>C on transcript NM_001042376.3; coding-DNA position 367, T replaced by C.
Protein change: p.Cys123Arg; replaces cysteine 123 with arginine.
Molecular consequence: missense variant. On other transcripts: 5 prime UTR variant (1), non-coding transcript variant (1).
Genome position (GRCh38, 1-based): chr11:2,149,166, A>G on the plus strand (T>C on the coding strand, the complement: INS-IGF2 is on the minus strand). VCF-style: chr11-2149166-A-G. GRCh37 (hg19) VCF-style: chr11-2170396-A-G.
Other names: c.367T>C (NM_001042376.2); c.-289T>C (NM_001007139.6); short protein forms C123R.
Identifiers: ClinVar variation 3068922 (VCV003068922.3), dbSNP rs1281572845, ClinGen allele CA379118145.

ClinVar aggregate classification (germline): Conflicting classifications of pathogenicity. Review status: criteria provided, conflicting classifications (1 of 4 stars). 2 submissions from 2 submitters: Uncertain significance (1); Likely benign (1). Last evaluated 2024-06-25.

Allele frequency attached by ClinVar (database versions not stated): gnomAD exomes below 0.00001; gnomAD 0.00001; TOPMed 0.00001.

Submissions (2):

Ambry Genetics
Classification: Likely benign. Last evaluated: 2024-06-25. Review status: criteria provided, single submitter. Criteria: Ambry Variant Classification Scheme 2023. Collection method: clinical testing. Allele origin: germline.

Women's Health and Genetics/Laboratory Corporation of America, LabCorp
Classification: Uncertain significance. Last evaluated: 2024-02-15. Review status: criteria provided, single submitter. Criteria: LabCorp Variant Classification Summary - May 2015. Collection method: clinical testing. Allele origin: germline.
Comment: Variant summary: INS-IGF2 c.367T>C (p.Cys123Arg) results in a non-conservative amino acid change located in the Insulin-like domain (IPR016179) of the encoded protein sequence. Four of five in-silico tools predict a benign effect of the variant on protein function. The variant allele was found at a frequency of 1.2e-05 in 246838 control chromosomes. The available data on variant occurrences in the general population are insufficient to allow any conclusion about variant significance. To our knowledge, no occurrence of c.367T>C in individuals affected with INS-IGF2 Disorders and no experimental evidence demonstrating its impact on protein function have been reported. No submitters have cited clinical-significance assessments for this variant to ClinVar. Based on the evidence outlined above, the variant was classified as uncertain significance.